The following is an entry in ClinVar:

NM_006206.6(PDGFRA):c.2984A>G (p.Asn995Ser)

Gene: PDGFRA (platelet derived growth factor receptor alpha; plus strand). Cytogenetic location: 4q12.
Variant type: single nucleotide variant.
Coding change: c.2984A>G on transcript NM_006206.6 (MANE Select); coding-DNA position 2984, A replaced by G.
Protein change: p.Asn995Ser; replaces asparagine 995 with serine.
Molecular consequence: missense variant.
Genome position (GRCh38, 1-based): chr4:54,290,416, A>G. VCF-style: chr4-54290416-A-G. GRCh37 (hg19) VCF-style: chr4-55156583-A-G.
Other names: c.2984A>G (NM_006206.4); c.3059A>G, p.Asn1020Ser (NM_001347828.2); c.2984A>G, p.Asn995Ser (NM_001347829.2); c.3023A>G, p.Asn1008Ser (NM_001347830.2); short protein forms N1020S, N1008S, N995S.
Identifiers: ClinVar variation 1478224 (VCV001478224.8), dbSNP rs2110348515, ClinGen allele CA356896124.

ClinVar aggregate classification (germline): Uncertain significance. Review status: criteria provided, multiple submitters, no conflicts (2 of 4 stars). 2 submissions from 2 submitters: Uncertain significance (2). Last evaluated 2025-10-01.

Conditions:
Hereditary cancer-predisposing syndrome. Also called: Hereditary neoplastic syndrome; Tumor predisposition; Hereditary Cancer Syndrome; Neoplastic Syndromes, Hereditary. Identifiers: Orphanet 140162, MedGen C0027672, MeSH D009386, MONDO:0015356.
Gastrointestinal stromal tumor. Also called: Gastrointestinal stroma tumor; Gastrointestinal stromal tumor, somatic. Identifiers: Orphanet 44890, MedGen C0238198, MeSH D046152, MONDO:0011719, OMIM 606764, HP:0100723.

Submissions (2):

Ambry Genetics
Classification: Uncertain significance for Hereditary cancer-predisposing syndrome. Last evaluated: 2025-10-01. Review status: criteria provided, single submitter. Criteria: Ambry Variant Classification Scheme 2023. Collection method: clinical testing. Allele origin: germline.
Comment: The p.N995S variant (also known as c.2984A>G), located in coding exon 21 of the PDGFRA gene, results from an A to G substitution at nucleotide position 2984. The asparagine at codon 995 is replaced by serine, an amino acid with highly similar properties. This amino acid position is conserved. In addition, this alteration is predicted to be tolerated by in silico analysis. Based on the available evidence, the clinical significance of this variant remains unclear.

Labcorp Genetics (formerly Invitae), Labcorp
Classification: Uncertain significance for Gastrointestinal stromal tumor. Last evaluated: 2023-07-31. Review status: criteria provided, single submitter. Criteria: Invitae Variant Classification Sherloc (09022015). Collection method: clinical testing. Allele origin: germline.
Comment: This sequence change replaces asparagine, which is neutral and polar, with serine, which is neutral and polar, at codon 995 of the PDGFRA protein (p.Asn995Ser). In summary, the available evidence is currently insufficient to determine the role of this variant in disease. Therefore, it has been classified as a Variant of Uncertain Significance. Advanced modeling of protein sequence and biophysical properties (such as structural, functional, and spatial information, amino acid conservation, physicochemical variation, residue mobility, and thermodynamic stability) performed at Invitae indicates that this missense variant is not expected to disrupt PDGFRA protein function. ClinVar contains an entry for this variant (Variation ID: 1478224). This variant has not been reported in the literature in individuals affected with PDGFRA-related conditions. This variant is not present in population databases (gnomAD no frequency).